The following is an entry in ClinVar:

ClinVar aggregate classification (germline): Uncertain significance. Review status: criteria provided, multiple submitters, no conflicts (2 of 4 stars). 4 submissions from 4 submitters: Uncertain significance (4). Last evaluated 2024-05-13.

Conditions:
Hereditary xanthinuria type 1 (XAN1). Identifiers: Orphanet 3467, Orphanet 93601, MedGen C0268118, MONDO:0010209, OMIM 278300.
Inborn genetic diseases. Identifiers: MedGen C0950123, MeSH D030342.
Xanthinuria type II. Also called: Xanthine dehydrogenase and aldehyde oxidase combined deficiency of; XDH and AOX dual deficiency. Identifiers: Orphanet 3467, Orphanet 93602, MedGen C1863688, MONDO:0011346, OMIM 603592.

Allele frequency attached by ClinVar (database versions not stated): ESP Exome Variant Server 0.00008; gnomAD 0.00013; ExAC 0.00015; gnomAD exomes 0.00015 and 0.00025; TOPMed 0.00028.
gnomAD v4.1: 378 of 1,614,092 alleles (0.023%); highest among the groups gnomAD compares: Admixed American, 0.043%; no homozygotes.

Submissions (4):

Fulgent Genetics
Classification: Uncertain significance for Hereditary xanthinuria type 1. Last evaluated: 2024-05-13. Review status: criteria provided, single submitter. Criteria: ACMG Guidelines, 2015. Collection method: clinical testing. Allele origin: germline.

Labcorp Genetics (formerly Invitae), Labcorp
Classification: Uncertain significance for Xanthinuria type II. Last evaluated: 2022-09-19. Review status: criteria provided, single submitter. Criteria: Invitae Variant Classification Sherloc (09022015). Collection method: clinical testing. Allele origin: germline.
Comment: This sequence change replaces phenylalanine, which is neutral and non-polar, with leucine, which is neutral and non-polar, at codon 632 of the XDH protein (p.Phe632Leu). This variant is present in population databases (rs149593992, gnomAD 0.04%). This variant has not been reported in the literature in individuals affected with XDH-related conditions. ClinVar contains an entry for this variant (Variation ID: 851652). Algorithms developed to predict the effect of missense changes on protein structure and function are either unavailable or do not agree on the potential impact of this missense change (SIFT: "Tolerated"; PolyPhen-2: "Possibly Damaging"; Align-GVGD: "Class C0"). In summary, the available evidence is currently insufficient to determine the role of this variant in disease. Therefore, it has been classified as a Variant of Uncertain Significance.

Ambry Genetics
Classification: Uncertain significance for Inborn genetic diseases. Last evaluated: 2021-07-28. Review status: criteria provided, single submitter. Criteria: Ambry Variant Classification Scheme 2023. Collection method: clinical testing. Allele origin: germline.

Illumina Laboratory Services, Illumina
Classification: Uncertain significance for Hereditary xanthinuria type 1. Last evaluated: 2018-01-13. Review status: criteria provided, single submitter. Criteria: ICSL Variant Classification Criteria 13 December 2019. Collection method: clinical testing. Allele origin: germline.

NM_000379.4(XDH):c.1896T>G (p.Phe632Leu)

Gene: XDH (xanthine dehydrogenase; minus strand). Cytogenetic location: 2p23.1.
Variant type: single nucleotide variant.
Coding change: c.1896T>G on transcript NM_000379.4 (MANE Select); coding-DNA position 1896, T replaced by G.
Protein change: p.Phe632Leu; replaces phenylalanine 632 with leucine.
Molecular consequence: missense variant.
Genome position (GRCh38, 1-based): chr2:31,370,439, A>C on the plus strand (T>G on the coding strand, the complement: XDH is on the minus strand). VCF-style: chr2-31370439-A-C. GRCh37 (hg19) VCF-style: chr2-31593305-A-C.
Other names: short protein forms F632L.
Identifiers: ClinVar variation 851652 (VCV000851652.13), dbSNP rs149593992, ClinGen allele CA1599038.